The following is an entry in ClinVar:

ClinVar aggregate classification (germline): Likely benign. Review status: criteria provided, single submitter (1 of 4 stars). 2 submissions from 2 submitters: Likely benign (1). 1 of the submissions does not count toward it. Last evaluated 2025-10-08.

Conditions:
COL9A3-related disorder. Also called: COL9A3-related condition.

Allele frequency attached by ClinVar (database versions not stated): TOPMed 0.00001; gnomAD 0.00002; ExAC 0.00005.
gnomAD v4.1: 23 of 1,526,238 alleles (0.0015%); highest among the groups gnomAD compares: Middle Eastern, 0.017%; no homozygotes.

Submissions (2):

Labcorp Genetics (formerly Invitae), Labcorp
Classification: Likely benign. Last evaluated: 2025-10-08. Review status: criteria provided, single submitter. Criteria: Invitae Variant Classification Sherloc (09022015). Collection method: clinical testing. Allele origin: germline.

PreventionGenetics, part of Exact Sciences
Classification: Likely benign for COL9A3-related condition. Last evaluated: 2021-12-02. Review status: no assertion criteria provided. Collection method: clinical testing. Allele origin: germline. Not counted in ClinVar's aggregate classification.
Comment: This variant is classified as likely benign based on ACMG/AMP sequence variant interpretation guidelines (Richards et al. 2015 PMID: 25741868, with internal and published modifications).

NM_001853.4(COL9A3):c.424-10C>T

Gene: COL9A3 (collagen type IX alpha 3 chain; plus strand). Cytogenetic location: 20q13.33.
Variant type: single nucleotide variant.
Coding change: c.424-10C>T on transcript NM_001853.4 (MANE Select); 10 bases into the intron before coding-DNA position 424, C replaced by T.
Molecular consequence: intron variant.
Genome position (GRCh38, 1-based): chr20:62,822,101, C>T. VCF-style: chr20-62822101-C-T. GRCh37 (hg19) VCF-style: chr20-61453453-C-T.
Identifiers: ClinVar variation 3061663 (VCV003061663.3), dbSNP rs769826708, ClinGen allele CA9949267.